The following is an entry in ClinVar:

ClinVar aggregate classification (germline): Uncertain significance. Review status: criteria provided, multiple submitters, no conflicts (2 of 4 stars). 2 submissions from 2 submitters: Uncertain significance (2). Last evaluated 2023-07-19.

Conditions:
Familial adenomatous polyposis 1 (FAP1). Also called: POLYPOSIS, ADENOMATOUS INTESTINAL; FAMILIAL ADENOMATOUS POLYPOSIS 1, ATTENUATED. Identifiers: MedGen C2713442, MONDO:0021056, OMIM 175100. Disease mechanism: loss of function.
Classic or attenuated familial adenomatous polyposis. Identifiers: MedGen CN372698, MONDO:0021057.

Submissions (2):

All of Us Research Program, National Institutes of Health
Classification: Uncertain significance for Classic or attenuated familial adenomatous polyposis. Last evaluated: 2023-07-19. Review status: criteria provided, single submitter. Criteria: ACMG Guidelines, 2015. Collection method: clinical testing. Allele origin: germline. Inheritance: Autosomal dominant inheritance. Observed: 1 variant allele, 1 heterozygote.
Comment: This missense variant replaces alanine with threonine at codon 2121 of the APC protein. Computational prediction is inconclusive regarding the impact of this variant on protein structure and function (internally defined REVEL score threshold 0.5 < inconclusive < 0.7, PMID: 27666373). To our knowledge, functional studies have not been reported for this variant. This variant has not been reported in individuals affected with APC-related disorders in the literature. This variant has not been identified in the general population by the Genome Aggregation Database (gnomAD). The available evidence is insufficient to determine the role of this variant in disease conclusively. Therefore, this variant is classified as a Variant of Uncertain Significance.

This study involves interpretation of variants in research participants for the purpose of population health screening. Participant phenotype was not available at the time of variant classification. Additional details can be found in publication PMID: 35346344, PMCID: PMC8962531

Labcorp Genetics (formerly Invitae), Labcorp
Classification: Uncertain significance for Familial adenomatous polyposis 1. Last evaluated: 2023-06-05. Review status: criteria provided, single submitter. Criteria: Invitae Variant Classification Sherloc (09022015). Collection method: clinical testing. Allele origin: germline.
Comment: This sequence change replaces alanine, which is neutral and non-polar, with threonine, which is neutral and polar, at codon 2121 of the APC protein (p.Ala2121Thr). This variant is not present in population databases (gnomAD no frequency). This variant has not been reported in the literature in individuals affected with APC-related conditions. Advanced modeling of protein sequence and biophysical properties (such as structural, functional, and spatial information, amino acid conservation, physicochemical variation, residue mobility, and thermodynamic stability) performed at Invitae indicates that this missense variant is not expected to disrupt APC protein function. In summary, the available evidence is currently insufficient to determine the role of this variant in disease. Therefore, it has been classified as a Variant of Uncertain Significance.

NM_000038.6(APC):c.6361G>A (p.Ala2121Thr)

Gene: APC (APC regulator of Wnt signaling pathway; plus strand). Cytogenetic location: 5q22.2.
Variant type: single nucleotide variant.
Coding change: c.6361G>A on transcript NM_000038.6 (MANE Select); coding-DNA position 6361, G replaced by A.
Protein change: p.Ala2121Thr; replaces alanine 2121 with threonine.
Molecular consequence: missense variant. On other transcripts: non-coding transcript variant (2).
Genome position (GRCh38, 1-based): chr5:112,841,955, G>A. VCF-style: chr5-112841955-G-A. GRCh37 (hg19) VCF-style: chr5-112177652-G-A.
Other names: c.6361G>A, p.Ala2121Thr (NM_001127510.3, NM_001354895.2, NM_001407450.1); c.6307G>A, p.Ala2103Thr (NM_001127511.3); c.6415G>A, p.Ala2139Thr (NM_001354896.2, NM_001407447.1, NM_001407448.1 and 1 more transcripts); c.6391G>A, p.Ala2131Thr (NM_001354897.2); c.6286G>A, p.Ala2096Thr (NM_001354898.2); c.6277G>A, p.Ala2093Thr (NM_001354899.2); c.6238G>A, p.Ala2080Thr (NM_001354900.2); c.6184G>A, p.Ala2062Thr (NM_001354901.2, NM_001407453.1); and 11 more; short protein forms A1737T, A1838T, A1995T, A2093T, A2103T, A2111T, A2139T, A1961T.
Identifiers: ClinVar variation 2773161 (VCV002773161.4), dbSNP rs1561606746, ClinGen allele CA16035260.